The following is an entry in ClinVar:

NM_000455.5(STK11):c.1176G>T (p.Met392Ile)

Gene: STK11 (serine/threonine kinase 11; plus strand). Cytogenetic location: 19p13.3.
Variant type: single nucleotide variant.
Coding change: c.1176G>T on transcript NM_000455.5 (MANE Select); coding-DNA position 1176, G replaced by T.
Protein change: p.Met392Ile; replaces methionine 392 with isoleucine.
Molecular consequence: missense variant.
Genome position (GRCh38, 1-based): chr19:1,226,521, G>T. VCF-style: chr19-1226521-G-T. GRCh37 (hg19) VCF-style: chr19-1226520-G-T.
Other names: short protein forms M392I.
Identifiers: ClinVar variation 1802042 (VCV001802042.1), dbSNP rs746930791, ClinGen allele CA402953534.

ClinVar aggregate classification (germline): Uncertain significance (1 of 4 stars; one submission).

Submission:

GeneDx
Classification: Uncertain significance. Last evaluated: 2022-05-31. Review status: criteria provided, single submitter. Criteria: GeneDx Variant Classification Process June 2021. Collection method: clinical testing. Allele origin: germline. Affected: yes.
Comment: Not observed at significant frequency in large population cohorts (gnomAD); In silico analysis supports that this missense variant does not alter protein structure/function; Has not been previously published as pathogenic or benign to our knowledge